The following is an entry in ClinVar:

ClinVar aggregate classification (germline): Uncertain significance (1 of 4 stars; one submission).

Conditions:
CACNA1A-related disorder. Also called: CACNA1A-related condition.

Submission:

PreventionGenetics, part of Exact Sciences
Classification: Uncertain significance for CACNA1A-related condition. Last evaluated: 2025-04-07. Review status: criteria provided, single submitter. Criteria: ACMG Guidelines, 2015. Collection method: clinical testing. Allele origin: germline.
Comment: The CACNA1A c.7218C>A variant is predicted to result in the amino acid substitution p.His2406Gln. To our knowledge, this variant has not been reported in the literature or in a large population database (gnomAD), indicating this variant is rare. At this time, the clinical significance of this variant is uncertain due to the absence of conclusive functional and genetic evidence.

NM_001127222.2(CACNA1A):c.7218C>A (p.His2406Gln)

Gene: CACNA1A (calcium voltage-gated channel subunit alpha1 A; minus strand). Cytogenetic location: 19p13.13.
Variant type: single nucleotide variant.
Coding change: c.7218C>A on transcript NM_001127222.2 (MANE Select); coding-DNA position 7218, C replaced by A.
Protein change: p.His2406Gln; replaces histidine 2406 with glutamine.
Molecular consequence: missense variant. On other transcripts: 3 prime UTR variant (3).
Genome position (GRCh38, 1-based): chr19:13,207,616, G>T on the plus strand (C>A on the coding strand, the complement: CACNA1A is on the minus strand). VCF-style: chr19-13207616-G-T. GRCh37 (hg19) VCF-style: chr19-13318430-G-T.
Other names: c.*430C>A (NM_000068.4, NM_001127221.2, NM_001174080.2); c.7236C>A, p.His2412Gln (NM_023035.3); short protein forms H2412Q, H2406Q.
Identifiers: ClinVar variation 4985513 (VCV004985513.1).